The following is an entry in ClinVar:

ClinVar aggregate classification (germline): Uncertain significance (1 of 4 stars; one submission).

Submission:

Greenwood Genetic Center Diagnostic Laboratories, Greenwood Genetic Center
Classification: Uncertain significance. Last evaluated: 2025-11-25. Review status: criteria provided, single submitter. Criteria: ACMG Guidelines, 2015. Collection method: clinical testing. Allele origin: germline. Affected: yes.
Comment: PM2, PP2

NM_001366521.1(ATP2B1):c.1261A>G (p.Ile421Val)

Gene: ATP2B1 (ATPase plasma membrane Ca2+ transporting 1; minus strand). Cytogenetic location: 12q21.33.
Variant type: single nucleotide variant.
Coding change: c.1261A>G on transcript NM_001366521.1 (MANE Select); coding-DNA position 1261, A replaced by G.
Protein change: p.Ile421Val; replaces isoleucine 421 with valine.
Molecular consequence: missense variant. On other transcripts: non-coding transcript variant (3).
Genome position (GRCh38, 1-based): chr12:89,624,266, T>C on the plus strand (A>G on the coding strand, the complement: ATP2B1 is on the minus strand). VCF-style: chr12-89624266-T-C. GRCh37 (hg19) VCF-style: chr12-90018043-T-C.
Other names: c.1261A>G, p.Ile421Val (NM_001413046.1, NM_001413047.1, NM_001413049.1 and 13 more transcripts); c.1222A>G, p.Ile408Val (NM_001413048.1); c.1120A>G, p.Ile374Val (NM_001413051.1, NM_001413052.1, NM_001413055.1); c.1063A>G, p.Ile355Val (NM_001413053.1, NM_001366530.1); c.700A>G, p.Ile234Val (NM_001366531.1, NM_001366532.1, NM_001413058.1 and 2 more transcripts); c.1006A>G, p.Ile336Val (NM_001413056.1); c.808A>G, p.Ile270Val (NM_001413057.1); short protein forms I234V, I270V, I336V, I355V, I374V, I408V, I421V.
Identifiers: ClinVar variation 4845490 (VCV004845490.1).
Genomic context (GRCh38, chr12:89,624,266, plus strand): 5'-TCGTGACTGCAAGTGGAAGACCTTCTGGCACTGCGACCACTAAAACTGTAACTCCAATAA[T>C]GAAGAACTTCACAAAGTATTGTATATAAATTGGTGTGCACTCAGCAAGCCATGGTCTTTT-3'
Protein context (NP_001353450.1, residues 411-431): IYIQYFVKFF[Ile421Val]IGVTVLVVAV